The following is an entry in ClinVar:

ClinVar aggregate classification (germline): Uncertain significance. Review status: criteria provided, multiple submitters, no conflicts (2 of 4 stars). 2 submissions from 2 submitters: Uncertain significance (2). Last evaluated 2026-01-30.

Conditions:
Hereditary cancer-predisposing syndrome. Also called: Neoplastic Syndromes, Hereditary; Tumor predisposition; Hereditary Cancer Syndrome; Hereditary neoplastic syndrome. Identifiers: Orphanet 140162, MedGen C0027672, MeSH D009386, MONDO:0015356.

gnomAD v4.1: 1 of 1,614,222 alleles (0.000062%); highest among the groups gnomAD compares: Admixed American, 0.0017%; no homozygotes.

Submissions (2):

Ambry Genetics
Classification: Uncertain significance for Hereditary cancer-predisposing syndrome. Last evaluated: 2026-01-30. Review status: criteria provided, single submitter. Criteria: Ambry Variant Classification Scheme 2023. Collection method: clinical testing. Allele origin: germline.
Comment: The p.M73T variant (also known as c.218T>C), located in coding exon 2 of the SUFU gene, results from a T to C substitution at nucleotide position 218. The methionine at codon 73 is replaced by threonine, an amino acid with similar properties. This amino acid position is highly conserved in available vertebrate species. In addition, this alteration is predicted to be deleterious by in silico analysis. Based on the available evidence, the clinical significance of this variant remains unclear.

Center for Genomic Medicine, Rigshospitalet, Copenhagen University Hospital
Classification: Uncertain significance. Last evaluated: 2025-12-29. Review status: criteria provided, single submitter. Criteria: ACMG Guidelines, 2015. Collection method: clinical testing. Allele origin: germline.

NM_016169.4(SUFU):c.218T>C (p.Met73Thr)

Gene: SUFU (SUFU negative regulator of hedgehog signaling; plus strand). Cytogenetic location: 10q24.32.
Variant type: single nucleotide variant.
Coding change: c.218T>C on transcript NM_016169.4 (MANE Select); coding-DNA position 218, T replaced by C.
Protein change: p.Met73Thr; replaces methionine 73 with threonine.
Molecular consequence: missense variant.
Genome position (GRCh38, 1-based): chr10:102,509,204, T>C. VCF-style: chr10-102509204-T-C. GRCh37 (hg19) VCF-style: chr10-104268961-T-C.
Other names: c.218T>C, p.Met73Thr (NM_001178133.2); short protein forms M73T.
Identifiers: ClinVar variation 4539273 (VCV004539273.2).